The following is an entry in ClinVar:

ClinVar aggregate classification (germline): Likely benign (1 of 4 stars; one submission).

Allele frequency attached by ClinVar (database versions not stated): 1000 Genomes Project 30x 0.00016; 1000 Genomes Project 0.00020; ExAC 0.00071; TOPMed 0.00089; ESP Exome Variant Server 0.00092; gnomAD 0.00097; gnomAD exomes 0.00135.
gnomAD v4.1: 2,095 of 1,592,866 alleles (0.13%); highest among the groups gnomAD compares: Non-Finnish European, 0.16%; 4 homozygotes.

Submission:

CeGaT Center for Human Genetics Tuebingen
Classification: Likely benign. Last evaluated: 2023-07-01. Review status: criteria provided, single submitter. Criteria: CeGaT Center For Human Genetics Tuebingen Variant Classification Criteria Version 2. Collection method: clinical testing. Allele origin: germline. Affected: yes. Observed: 1 variant allele.
Comment: URI1: BP4, BP7

NM_003796.3(URI1):c.243C>T (p.Gly81=)

Gene: URI1 (URI1 prefoldin like chaperone; plus strand). Cytogenetic location: 19q12.
Variant type: single nucleotide variant.
Coding change: c.243C>T on transcript NM_003796.3 (MANE Select); coding-DNA position 243, C replaced by T.
Protein change: p.Gly81=; no amino-acid change (glycine 81 retained).
Molecular consequence: synonymous variant. On other transcripts: non-coding transcript variant (1).
Genome position (GRCh38, 1-based): chr19:29,986,293, C>T. VCF-style: chr19-29986293-C-T. GRCh37 (hg19) VCF-style: chr19-30477200-C-T.
Other names: c.189C>T, p.Gly63= (NM_001252641.2).
Identifiers: ClinVar variation 2649669 (VCV002649669.24), dbSNP rs61754463, ClinGen allele CA9352626.